The following is an entry in ClinVar:

NM_001126108.2(SLC12A3):c.1670-1G>C

Gene: SLC12A3 (solute carrier family 12 member 3; plus strand). Cytogenetic location: 16q13.
Variant type: single nucleotide variant.
Coding change: c.1670-1G>C on transcript NM_001126108.2 (MANE Select); the canonical splice acceptor site of the intron before coding-DNA position 1670, G replaced by C.
Molecular consequence: splice acceptor variant.
Genome position (GRCh38, 1-based): chr16:56,884,048, G>C. VCF-style: chr16-56884048-G-C. GRCh37 (hg19) VCF-style: chr16-56917960-G-C.
Other names: c.1670-1G>C (NM_000339.3); c.1667-1G>C (NM_001126107.2, NM_001410896.1).
Identifiers: ClinVar variation 2636527 (VCV002636527.2), dbSNP rs2055276585, ClinGen allele CA395990235.

ClinVar aggregate classification (germline): Pathogenic/Likely pathogenic. Review status: criteria provided, multiple submitters, no conflicts (2 of 4 stars). 2 submissions from 2 submitters: Pathogenic (1); Likely pathogenic (1). Last evaluated 2025-10-27.

Conditions:
SLC12A3-related disorder. Also called: SLC12A3-related condition.

Allele frequency attached by ClinVar (database versions not stated): TOPMed 0.00001.

Submissions (2):

Labcorp Genetics (formerly Invitae), Labcorp
Classification: Pathogenic. Last evaluated: 2025-10-27. Review status: criteria provided, single submitter. Criteria: Invitae Variant Classification Sherloc (09022015). Collection method: clinical testing. Allele origin: germline.
Comment: This sequence change affects an acceptor splice site in intron 13 of the SLC12A3 gene. RNA analysis indicates that disruption of this splice site induces altered splicing and likely results in a shortened protein product. This variant is not present in population databases (gnomAD no frequency). Disruption of this splice site has been observed in individual(s) with Gitelman syndrome (PMID: 15481849, 17414160, 30596175). In at least one individual the data is consistent with being in trans (on the opposite chromosome) from a pathogenic variant. ClinVar contains an entry for this variant (Variation ID: 2636527). Studies have shown that disruption of this splice site results in skipping of 14, but is expected to preserve the integrity of the reading-frame (PMID: 17414160). For these reasons, this variant has been classified as Pathogenic.

PreventionGenetics, part of Exact Sciences
Classification: Likely pathogenic for SLC12A3-related condition. Last evaluated: 2022-12-21. Review status: criteria provided, single submitter. Criteria: ACMG Guidelines, 2015. Collection method: clinical testing. Allele origin: germline.
Comment: The SLC12A3 c.1670-1G>C variant is predicted to disrupt the AG splice acceptor site and interfere with normal splicing. To our knowledge, this variant has not been reported in the literature or in a large population database, indicating this variant is rare. Variants that disrupt the consensus splice acceptor site in SLC12A3 are expected to be pathogenic. This variant is interpreted as likely pathogenic.

Literature cited by the submitters: PubMed 15481849 (cited by Labcorp Genetics (formerly Invitae), Labcorp); PubMed 17414160 (cited by Labcorp Genetics (formerly Invitae), Labcorp); PubMed 30596175 (cited by Labcorp Genetics (formerly Invitae), Labcorp).